The following is an entry in ClinVar:

NM_138387.4(G6PC3):c.213C>G (p.Phe71Leu)

Genes: G6PC3 (glucose-6-phosphatase catalytic subunit 3; plus strand), LOC130060959 (ATAC-STARR-seq lymphoblastoid active region 12250; plus strand). Cytogenetic location: 17q21.31.
Variant type: single nucleotide variant.
Coding change: c.213C>G on transcript NM_138387.4 (MANE Select); coding-DNA position 213, C replaced by G.
Protein change: p.Phe71Leu; replaces phenylalanine 71 with leucine.
Molecular consequence: missense variant. On other transcripts: 5 prime UTR variant (3), intron variant (1).
Genome position (GRCh38, 1-based): chr17:44,071,178, C>G. VCF-style: chr17-44071178-C-G. GRCh37 (hg19) VCF-style: chr17-42148546-C-G.
Other names: c.213C>G, p.Phe71Leu (NM_001319945.2); c.-192C>G (NM_001384165.1); c.-327C>G (NM_001384166.1); c.-317C>G (NM_001384167.1); c.-311-450C>G (NM_001384168.1); short protein forms F71L.
Identifiers: ClinVar variation 4027618 (VCV004027618.1).
Genomic context (GRCh38, chr17:44,071,178, plus strand): 5'-CCGTGTGGGCATCGCGGTGCTCTGGATCAGCCTCATCACCGAGTGGCTCAACCTCATCTT[C>G]AAGTGGTGAGACAGAGAAGCCCTCCGGCATCCTGGTCCCCACCCCCGAGGGCCCTGAGTC-3'
Protein context (NP_612396.1, residues 61-81): SLITEWLNLI[Phe71Leu]KWFLFGDRPF

ClinVar aggregate classification (germline): Uncertain significance (1 of 4 stars; one submission).

Conditions:
Inborn genetic diseases. Identifiers: MedGen C0950123, MeSH D030342.

gnomAD v4.1: 1 of 1,613,064 alleles (0.000062%); highest among the groups gnomAD compares: African/African-American, 0.0013%; no homozygotes.

Submission:

Ambry Genetics
Classification: Uncertain significance for Inborn genetic diseases. Last evaluated: 2025-06-04. Review status: criteria provided, single submitter. Criteria: Ambry Variant Classification Scheme 2023. Collection method: clinical testing. Allele origin: germline.
Comment: The p.F71L variant (also known as c.213C>G), located in coding exon 1 of the G6PC3 gene, results from a C to G substitution at nucleotide position 213. The phenylalanine at codon 71 is replaced by leucine, an amino acid with highly similar properties. This amino acid position is conserved. In addition, this alteration is predicted to be tolerated by in silico analysis. Based on the available evidence, the clinical significance of this variant remains unclear.